The following is an entry in ClinVar:

Conditions:
Breast-ovarian cancer, familial, susceptibility to, 1 (BROVCA1). Also called: BRCA1 Hereditary Breast and Ovarian Cancer; OVARIAN CANCER, SUSCEPTIBILITY TO. Identifiers: Orphanet 145, MedGen C2676676, MONDO:0011450, OMIM 604370. Disease mechanism: loss of function.

Submission:

Brotman Baty Institute, University of Washington
No classification provided (evidence only). Condition: Breast-ovarian cancer, familial 1. Review status: no classification provided. Collection method: in vitro. Allele origin: not applicable. Functional consequence: functionally_normal.
ClinVar note: "not provided" was previously submitted as the classification for the variant. However, the classification appeared to be based only on an observation of functional data so it was converted to no classification on 2025-07-30.

NM_007294.4(BRCA1):c.4G>T (p.Asp2Tyr)

Gene: BRCA1 (BRCA1 DNA repair associated; minus strand). Cytogenetic location: 17q21.31.
Variant type: single nucleotide variant.
Coding change: c.4G>T on transcript NM_007294.4 (MANE Select); coding-DNA position 4, G replaced by T.
Protein change: p.Asp2Tyr; replaces aspartic acid 2 with tyrosine.
Molecular consequence: missense variant. On other transcripts: 5 prime UTR variant (1), non-coding transcript variant (1).
Genome position (GRCh38, 1-based): chr17:43,124,093, C>A on the plus strand (G>T on the coding strand, the complement: BRCA1 is on the minus strand). VCF-style: chr17-43124093-C-A. GRCh37 (hg19) VCF-style: chr17-41276110-C-A.
Other names: c.4G>T, p.Asp2Tyr (NM_001407653.1, NM_001407654.1, NM_001407655.1 and 193 more transcripts); c.-254G>T (NM_001407694.1, NM_001407724.1, NM_001407727.1 and 11 more transcripts); c.-258G>T (NM_001407695.1, NM_001408465.1); c.-399G>T (NM_001407696.1); c.-283G>T (NM_001407697.1, NM_001407846.1, NM_001407920.1); c.-84G>T (NM_001407698.1, NM_001407732.1, NM_001407736.1 and 23 more transcripts); c.-257G>T (NM_001407725.1, NM_001407730.1, NM_001407734.1 and 22 more transcripts); c.-203G>T (NM_001407726.1, NM_001407751.1); and 8 more; short protein forms D2Y.
Identifiers: ClinVar variation 868682 (VCV000868682.3), dbSNP rs778775133, ClinGen allele CA10602150.